The following is an entry in ClinVar:

ClinVar aggregate classification (germline): Likely benign (1 of 4 stars; one submission).

Conditions:
Leigh syndrome (NULS). Also called: Leigh's necrotizing encephalopathy; Leigh's disease; Leigh Syndrome (mtDNA deletion); Leigh Disease; Subacute necrotizing encephalopathy; Necrotizing encephalopathy infantile subacute of Leigh. Identifiers: Orphanet 506, MedGen C2931891, MONDO:0009723, OMIM 256000.

Submission:

Wong Mito Lab, Molecular and Human Genetics, Baylor College of Medicine
Classification: Likely benign for Leigh syndrome. Last evaluated: 2019-10-17. Review status: criteria provided, single submitter. Criteria: Modified ACMG Guidelines (Unpublished). Collection method: clinical testing. Allele origin: germline.
Comment: The NC_012920.1:m.8623A>G (YP_003024031.1:p.Thr33Ala) variant in MTATP6 gene is interpretated to be a Likely Benign variant based on the modified ACMG guidelines (unpublished). This variant meets the following evidence codes: BS1, BP4

NC_012920.1(MT-ATP6):m.8623A>G

Gene: MT-ATP6 (mitochondrially encoded ATP synthase 6; plus strand).
Variant type: single nucleotide variant.
Genome position: chrM-8623-A-G.
Identifiers: ClinVar variation 692929 (VCV000692929.1), dbSNP rs1603221645, ClinGen allele CA414797000.